The following is an entry in ClinVar:

NM_000053.4(ATP7B):c.678del (p.Leu227fs)

Gene: ATP7B (ATPase copper transporting beta; minus strand). Cytogenetic location: 13q14.3.
Variant type: Deletion.
Coding change: c.678del on transcript NM_000053.4 (MANE Select); coding-DNA position 678, one base deleted (G; older notation c.678delG).
Protein change: p.Leu227fs; shifts the reading frame from leucine 227.
Molecular consequence: frameshift variant.
Genome position (GRCh38, 1-based): chr13:51,974,542, C deleted on the plus strand (G on the coding strand, the reverse complement: ATP7B is on the minus strand); the first of 2 consecutive C bases (chr13:51,974,542-51,974,543); deleting either gives the same sequence. VCF-style (leftmost placement, unchanged base first): chr13-51974541-AC-A. GRCh37 (hg19) VCF-style: chr13-52548677-AC-A.
Other names: c.678del, p.Leu227fs (NM_001330578.2, NM_001330579.2, NM_001406520.1 and 30 more transcripts); c.678del (NM_000053.3); c.582del, p.Leu195fs (NM_001406530.1, NM_001406536.1, NM_001406539.1 and 4 more transcripts); short protein forms L195fs, L227fs.
Identifiers: ClinVar variation 2679793 (VCV002679793.5), dbSNP rs750078271, ClinGen allele CA6989515.
Genomic context (GRCh38, chr13:51,974,541, plus strand): 5'-CAGAATTATTAAAATTCTGGTTAGCAGAAGATAAAGGTCTCTTTGGGTTAGTGCTTTGTA[AC>A]CGCTCAATATCAATTGGTCCCAGGCTTAAGGGAGCCACTTTGCTCTTGATGGCAGCTTCA-3'

ClinVar aggregate classification (germline): Pathogenic. Review status: criteria provided, multiple submitters, no conflicts (2 of 4 stars). 2 submissions from 2 submitters: Pathogenic (2). Last evaluated 2026-08-21.

Conditions:
Wilson disease (WND). Also called: Wilson's disease. Identifiers: Orphanet 905, MedGen C0019202, MONDO:0010200, OMIM 277900. Disease mechanism: loss of function.

Submissions (2):

Myriad Genetics, Inc.
Classification: Pathogenic for Wilson disease. Last evaluated: 2026-08-21. Review status: criteria provided, single submitter. Criteria: Myriad Autosomal Dominant, Autosomal Recessive and X-Linked Classification Criteria (2023). Collection method: clinical testing. Allele origin: unknown.
Comment: NM_000053.3(ATP7B):c.678delG(L227Yfs*35) is a frameshift variant classified as pathogenic in the context of Wilson disease. L227Yfs*35 has been observed in cases with relevant disease (PMID: 23551039, 35763513). Relevant functional assessments of this variant are not available in the literature. L227Yfs*35 has been observed in referenced population frequency databases. In summary, NM_000053.3(ATP7B):c.678delG(L227Yfs*35) is a frameshift variant in a gene where loss of function is a known mechanism of disease and is predicted to disrupt protein function. Please note: this variant was assessed in the context of healthy population screening.

Natera, Inc.
Classification: Pathogenic for Wilson disease. Last evaluated: 2025-05-12. Review status: criteria provided, single submitter. Criteria: Natera Variant Classification Schema (03/2026). Collection method: clinical testing. Allele origin: germline.
Comment: The c.678del variant in ATP7B is a frameshift variant predicted to shift the reading frame beginning at codon 227 and leads to a stop codon 35 codons downstream. This variant is expected to result in nonsense mediated decay, truncation, or a dysfunctional protein product. This variant is rare in the general population with a frequency below the threshold expected for the associated phenotype(s). This variant has been observed in one or more individuals affected with the associated recessive disease, as either homozygous or compound heterozygous with a second variant (PMID: 23551039). Given the available evidence, this variant is classified as Pathogenic.

Literature cited by the submitters: PubMed 23551039 (cited by Myriad Genetics, Inc. and Natera, Inc.); PubMed 35763513 (cited by Myriad Genetics, Inc.).